The following is an entry in ClinVar:

ClinVar aggregate classification (germline): Uncertain significance (1 of 4 stars; one submission).

Conditions:
Familial cancer of breast. Also called: hereditary breast carcinoma; BREAST CANCER, FAMILIAL; Hereditary breast cancer. Identifiers: Orphanet 227535, MedGen C0346153, MONDO:0016419, OMIM 114480. Disease mechanism: loss of function.

Submission:

Labcorp Genetics (formerly Invitae), Labcorp
Classification: Uncertain significance for Familial cancer of breast. Last evaluated: 2024-09-13. Review status: criteria provided, single submitter. Criteria: Invitae Variant Classification Sherloc (09022015). Collection method: clinical testing. Allele origin: germline.
Comment: This sequence change replaces alanine, which is neutral and non-polar, with glycine, which is neutral and non-polar, at codon 104 of the CHEK2 protein (p.Ala104Gly). This variant is not present in population databases (gnomAD no frequency). This variant has not been reported in the literature in individuals affected with CHEK2-related conditions. An algorithm developed to predict the effect of missense changes on protein structure and function (PolyPhen-2) suggests that this variant is likely to be tolerated. In summary, the available evidence is currently insufficient to determine the role of this variant in disease. Therefore, it has been classified as a Variant of Uncertain Significance.

NM_007194.4(CHEK2):c.311C>G (p.Ala104Gly)

Gene: CHEK2 (checkpoint kinase 2; minus strand). Cytogenetic location: 22q12.1.
Variant type: single nucleotide variant.
Coding change: c.311C>G on transcript NM_007194.4 (MANE Select); coding-DNA position 311, C replaced by G.
Protein change: p.Ala104Gly; replaces alanine 104 with glycine.
Molecular consequence: missense variant.
Genome position (GRCh38, 1-based): chr22:28,734,411, G>C on the plus strand (C>G on the coding strand, the complement: CHEK2 is on the minus strand). VCF-style: chr22-28734411-G-C. GRCh37 (hg19) VCF-style: chr22-29130399-G-C.
Other names: c.-467C>G (NM_001257387.3); c.311C>G, p.Ala104Gly (NM_001349956.3, NM_145862.3, NM_001005735.3); short protein forms A104G.
Identifiers: ClinVar variation 3656857 (VCV003656857.2).